The following is an entry in ClinVar:

NM_000393.5(COL5A2):c.2509G>A (p.Gly837Ser)

Gene: COL5A2 (collagen type V alpha 2 chain; minus strand). Cytogenetic location: 2q32.2.
Variant type: single nucleotide variant.
Coding change: c.2509G>A on transcript NM_000393.5 (MANE Select); coding-DNA position 2509, G replaced by A.
Protein change: p.Gly837Ser; replaces glycine 837 with serine.
Molecular consequence: missense variant.
Genome position (GRCh38, 1-based): chr2:189,053,468, C>T on the plus strand (G>A on the coding strand, the complement: COL5A2 is on the minus strand). VCF-style: chr2-189053468-C-T. GRCh37 (hg19) VCF-style: chr2-189918194-C-T.
Other names: short protein forms G837S.
Identifiers: ClinVar variation 4752261 (VCV004752261.2).

ClinVar aggregate classification (germline): Uncertain significance. Review status: criteria provided, multiple submitters, no conflicts (2 of 4 stars). 2 submissions from 2 submitters: Uncertain significance (2). Last evaluated 2025-06-04.

Conditions:
Ehlers-Danlos syndrome, classic type, 1 (EDSCL1). Also called: EHLERS-DANLOS SYNDROME, GRAVIS TYPE; EHLERS-DANLOS SYNDROME, SEVERE CLASSIC TYPE; Ehlers-Danlos syndrome, type 1; EDS I; Ehlers-Danlos Syndrome, Classic Type, COL5A1-Related. Identifiers: MedGen C0268335, MONDO:0019567, OMIM 130000.

gnomAD v4.1: 3 of 1,613,710 alleles (0.00019%); highest among the groups gnomAD compares: Admixed American, 0.0017%; no homozygotes.

Submissions (2):

Labcorp Genetics (formerly Invitae), Labcorp
Classification: Uncertain significance for Ehlers-Danlos syndrome, classic type, 1. Last evaluated: 2025-06-04. Review status: criteria provided, single submitter. Criteria: Invitae Variant Classification Sherloc (09022015). Collection method: clinical testing. Allele origin: germline.
Comment: This sequence change replaces glycine, which is neutral and non-polar, with serine, which is neutral and polar, at codon 837 of the COL5A2 protein (p.Gly837Ser). This variant is present in population databases (rs780353849, gnomAD 0.0009%). This variant has not been reported in the literature in individuals affected with COL5A2-related conditions. Invitae Evidence Modeling of protein sequence and biophysical properties (such as structural, functional, and spatial information, amino acid conservation, physicochemical variation, residue mobility, and thermodynamic stability) indicates that this missense variant is expected to disrupt COL5A2 protein function with a positive predictive value of 80%. In summary, the available evidence is currently insufficient to determine the role of this variant in disease. Therefore, it has been classified as a Variant of Uncertain Significance.

Blueprint Genetics
Classification: Uncertain significance. Last evaluated: 2018-04-30. Review status: criteria provided, single submitter. Criteria: ACMG Guidelines, 2015. Collection method: clinical testing. Allele origin: germline.